The following is an entry in ClinVar:

NM_001696.4(ATP6V1E1):c.608T>C (p.Ile203Thr)

Gene: ATP6V1E1 (ATPase H+ transporting V1 subunit E1; minus strand). Cytogenetic location: 22q11.21.
Variant type: single nucleotide variant.
Coding change: c.608T>C on transcript NM_001696.4 (MANE Select); coding-DNA position 608, T replaced by C.
Protein change: p.Ile203Thr; replaces isoleucine 203 with threonine.
Molecular consequence: missense variant.
Genome position (GRCh38, 1-based): chr22:17,594,539, A>G on the plus strand (T>C on the coding strand, the complement: ATP6V1E1 is on the minus strand). VCF-style: chr22-17594539-A-G. GRCh37 (hg19) VCF-style: chr22-18077305-A-G.
Other names: c.542T>C, p.Ile181Thr (NM_001039366.1); c.518T>C, p.Ile173Thr (NM_001039367.1); short protein forms I181T, I203T, I173T.
Identifiers: ClinVar variation 1904088 (VCV001904088.3), dbSNP rs2057721375, ClinGen allele CA410236916.

ClinVar aggregate classification (germline): Uncertain significance (1 of 4 stars; one submission).

Allele frequency attached by ClinVar (database versions not stated): gnomAD exomes below 0.00001; TOPMed below 0.00001; gnomAD 0.00001.
gnomAD v4.1: 2 of 1,588,014 alleles (0.00013%); highest among the groups gnomAD compares: Non-Finnish European, 0.00017%; no homozygotes.

Submission:

Labcorp Genetics (formerly Invitae), Labcorp
Classification: Uncertain significance. Last evaluated: 2025-08-11. Review status: criteria provided, single submitter. Criteria: Invitae Variant Classification Sherloc (09022015). Collection method: clinical testing. Allele origin: germline.
Comment: This sequence change replaces isoleucine, which is neutral and non-polar, with threonine, which is neutral and polar, at codon 203 of the ATP6V1E1 protein (p.Ile203Thr). This variant is not present in population databases (gnomAD no frequency). This variant has not been reported in the literature in individuals affected with ATP6V1E1-related conditions. ClinVar contains an entry for this variant (Variation ID: 1904088). An algorithm developed to predict the effect of missense changes on protein structure and function (PolyPhen-2) suggests that this variant is likely to be tolerated. In summary, the available evidence is currently insufficient to determine the role of this variant in disease. Therefore, it has been classified as a Variant of Uncertain Significance.